The following is an entry in ClinVar:

NM_017565.4(FAM20A):c.721C>T (p.Gln241Ter)

Genes: FAM20A (FAM20A golgi associated secretory pathway pseudokinase; minus strand), PRKAR1A (protein kinase cAMP-dependent type I regulatory subunit alpha; plus strand). Cytogenetic location: 17q24.2.
Variant type: single nucleotide variant.
Coding change: c.721C>T on transcript NM_017565.4 (MANE Select); coding-DNA position 721, C replaced by T.
Protein change: p.Gln241Ter; replaces glutamine 241 with a stop codon.
Molecular consequence: nonsense. On other transcripts: intron variant (1).
Genome position (GRCh38, 1-based): chr17:68,543,720, G>A on the plus strand (C>T on the coding strand, the complement: FAM20A is on the minus strand). VCF-style: chr17-68543720-G-A. GRCh37 (hg19) VCF-style: chr17-66539861-G-A.
Other names: c.307C>T, p.Gln103Ter (NM_001243746.2); c.974-7364G>A (NM_001276290.1); short protein forms Q241*, Q103*.
Identifiers: ClinVar variation 1371040 (VCV001371040.7), dbSNP rs746063338, ClinGen allele CA8729939.
Genomic context (GRCh38, chr17:68,543,720, plus strand): 5'-TGTGTCTCTGAAAGTCAATGAAGTAGAAGAAGTCCACTGGTGTCTCCTCATCTCGCTGCT[G>A]TCTGGAAGGAAGGAAGGAATCACGCCCTGGACTCAGACTTCAGCTGGGAGCCTGAGAAGA-3'

ClinVar aggregate classification (germline): Pathogenic/Likely pathogenic. Review status: criteria provided, multiple submitters, no conflicts (2 of 4 stars). 2 submissions from 2 submitters: Pathogenic (1); Likely pathogenic (1). Last evaluated 2024-10-23.

Conditions:
Amelogenesis imperfecta type 1G (AI1G). Also called: Amelogenesis imperfecta nephrocalcinosis; Enamel renal syndrome; Absent enamel, nephrocalcinosis and apparently normal calcium metabolism; Generalized enamel hypoplasia and renal dysfunction; Amelogenesis imperfecta-gingival hyperplasia syndrome; AMELOGENESIS IMPERFECTA, TYPE IG. Identifiers: Orphanet 1031, Orphanet 171836, MedGen C2931783, MONDO:0008771, OMIM 204690. Disease mechanism: loss of function.

Allele frequency attached by ClinVar (database versions not stated): gnomAD exomes 0.00001; TOPMed 0.00001; ExAC 0.00001; gnomAD 0.00001.
gnomAD v4.1: 18 of 1,613,670 alleles (0.0011%); highest among the groups gnomAD compares: Non-Finnish European, 0.0015%; no homozygotes.

Submissions (2):

Labcorp Genetics (formerly Invitae), Labcorp
Classification: Pathogenic. Last evaluated: 2024-10-23. Review status: criteria provided, single submitter. Criteria: Invitae Variant Classification Sherloc (09022015). Collection method: clinical testing. Allele origin: germline.
Comment: This sequence change creates a premature translational stop signal (p.Gln241*) in the FAM20A gene. It is expected to result in an absent or disrupted protein product. Loss-of-function variants in FAM20A are known to be pathogenic (PMID: 21990045, 23434854). This variant is present in population databases (rs746063338, gnomAD 0.002%). This variant has not been reported in the literature in individuals affected with FAM20A-related conditions. ClinVar contains an entry for this variant (Variation ID: 1371040). For these reasons, this variant has been classified as Pathogenic.

Fulgent Genetics
Classification: Likely pathogenic for Amelogenesis imperfecta type 1G. Last evaluated: 2024-02-06. Review status: criteria provided, single submitter. Criteria: ACMG Guidelines, 2015. Collection method: clinical testing. Allele origin: germline.

Literature cited by the submitters: PubMed 21990045 (cited by Labcorp Genetics (formerly Invitae), Labcorp); PubMed 23434854 (cited by Labcorp Genetics (formerly Invitae), Labcorp).